The following is an entry in ClinVar:

NM_032043.3(BRIP1):c.495A>T (p.Glu165Asp)

Gene: BRIP1 (BRCA1 interacting helicase 1; minus strand). Cytogenetic location: 17q23.2.
Variant type: single nucleotide variant.
Coding change: c.495A>T on transcript NM_032043.3 (MANE Select); coding-DNA position 495, A replaced by T.
Protein change: p.Glu165Asp; replaces glutamic acid 165 with aspartic acid.
Molecular consequence: missense variant.
Genome position (GRCh38, 1-based): chr17:61,849,141, T>A on the plus strand (A>T on the coding strand, the complement: BRIP1 is on the minus strand). VCF-style: chr17-61849141-T-A. GRCh37 (hg19) VCF-style: chr17-59926502-T-A.
Other names: short protein forms E165D.
Identifiers: ClinVar variation 1320630 (VCV001320630.2), dbSNP rs780024960, ClinGen allele CA400484369.

ClinVar aggregate classification (germline): Uncertain significance (1 of 4 stars; one submission).

Submission:

GeneDx
Classification: Uncertain significance. Last evaluated: 2021-05-06. Review status: criteria provided, single submitter. Criteria: GeneDx Variant Classification Process June 2021. Collection method: clinical testing. Allele origin: germline. Affected: yes.
Comment: Not observed in large population cohorts (Lek 2016); In silico analysis supports that this missense variant does not alter protein structure/function; Observed in an individual with breast cancer (Kwong 2020); This variant is associated with the following publications: (PMID: 32068069)